The following is an entry in ClinVar:

NM_000089.4(COL1A2):c.3647G>T (p.Trp1216Leu)

Gene: COL1A2 (collagen type I alpha 2 chain; plus strand). Cytogenetic location: 7q21.3.
Variant type: single nucleotide variant.
Coding change: c.3647G>T on transcript NM_000089.4 (MANE Select); coding-DNA position 3647, G replaced by T.
Protein change: p.Trp1216Leu; replaces tryptophan 1216 with leucine.
Molecular consequence: missense variant.
Genome position (GRCh38, 1-based): chr7:94,428,413, G>T. VCF-style: chr7-94428413-G-T. GRCh37 (hg19) VCF-style: chr7-94057725-G-T.
Other names: short protein forms W1216L.
Identifiers: ClinVar variation 965593 (VCV000965593.17), dbSNP rs1023594853, ClinGen allele CA162941654.

ClinVar aggregate classification (germline): Uncertain significance. Review status: criteria provided, multiple submitters, no conflicts (2 of 4 stars). 3 submissions from 3 submitters: Uncertain significance (3). Last evaluated 2025-12-11.

Conditions:
Osteogenesis imperfecta type I (OI1). Also called: Lobstein's Disease; OI, TYPE I; OSTEOGENESIS IMPERFECTA TARDA; OSTEOGENESIS IMPERFECTA WITH BLUE SCLERAE; Osteogenesis imperfecta type 1; Lobstein disease. Identifiers: Orphanet 216796, Orphanet 666, MedGen C0023931, MONDO:0008146, OMIM 166200. Disease mechanism: loss of function.
Ehlers-Danlos syndrome, classic type, 1 (EDSCL1). Also called: Ehlers-Danlos syndrome, type 1; EHLERS-DANLOS SYNDROME, GRAVIS TYPE; EHLERS-DANLOS SYNDROME, SEVERE CLASSIC TYPE; EDS I; Ehlers-Danlos Syndrome, Classic Type, COL5A1-Related. Identifiers: MedGen C0268335, MONDO:0019567, OMIM 130000.
Cardiovascular phenotype. Identifiers: MedGen CN230736.

Allele frequency attached by ClinVar (database versions not stated): gnomAD 0.00003 and 0.00004; gnomAD exomes 0.00001 and below 0.00001; TOPMed 0.00011.
gnomAD v4.1: 11 of 1,613,962 alleles (0.00068%); highest among the groups gnomAD compares: Admixed American, 0.012%; no homozygotes.

Submissions (3):

Labcorp Genetics (formerly Invitae), Labcorp
Classification: Uncertain significance for Osteogenesis imperfecta type I; Ehlers-Danlos syndrome, classic type, 1. Last evaluated: 2025-12-11. Review status: criteria provided, single submitter. Criteria: Invitae Variant Classification Sherloc (09022015). Collection method: clinical testing. Allele origin: germline.
Comment: This sequence change replaces tryptophan, which is neutral and slightly polar, with leucine, which is neutral and non-polar, at codon 1216 of the COL1A2 protein (p.Trp1216Leu). The frequency data for this variant in the population databases is considered unreliable, as metrics indicate poor data quality at this position in the gnomAD database. This variant has not been reported in the literature in individuals affected with COL1A2-related conditions. ClinVar contains an entry for this variant (Variation ID: 965593). Invitae Evidence Modeling of protein sequence and biophysical properties (such as structural, functional, and spatial information, amino acid conservation, physicochemical variation, residue mobility, and thermodynamic stability) indicates that this missense variant is not expected to disrupt COL1A2 protein function with a negative predictive value of 80%. In summary, the available evidence is currently insufficient to determine the role of this variant in disease. Therefore, it has been classified as a Variant of Uncertain Significance.

Ambry Genetics
Classification: Uncertain significance for Cardiovascular phenotype. Last evaluated: 2025-10-15. Review status: criteria provided, single submitter. Criteria: Ambry Variant Classification Scheme 2023. Collection method: clinical testing. Allele origin: germline.
Comment: The p.W1216L variant (also known as c.3647G>T), located in coding exon 50 of the COL1A2 gene, results from a G to T substitution at nucleotide position 3647. The tryptophan at codon 1216 is replaced by leucine, an amino acid with similar properties. This amino acid position is not well conserved in available vertebrate species. In addition, the in silico prediction for this alteration is inconclusive. Based on the available evidence, the clinical significance of this variant remains unclear.

GeneDx
Classification: Uncertain significance. Last evaluated: 2024-03-01. Review status: criteria provided, single submitter. Criteria: GeneDx Variant Classification Process June 2021. Collection method: clinical testing. Allele origin: germline. Affected: yes.
Comment: Has not been previously published as pathogenic or benign to our knowledge; Not observed at significant frequency in large population cohorts (gnomAD); In silico analysis supports that this missense variant has a deleterious effect on protein structure/function; Not located in the triple helical region, where the majority of pathogenic missense variants occur (HGMD)